The following is an entry in ClinVar:

ClinVar aggregate classification (germline): Uncertain significance (1 of 4 stars; one submission).

Allele frequency attached by ClinVar (database versions not stated): gnomAD exomes below 0.00001.

Submission:

Labcorp Genetics (formerly Invitae), Labcorp
Classification: Uncertain significance. Last evaluated: 2024-03-09. Review status: criteria provided, single submitter. Criteria: Invitae Variant Classification Sherloc (09022015). Collection method: clinical testing. Allele origin: germline.
Comment: This sequence change replaces methionine, which is neutral and non-polar, with threonine, which is neutral and polar, at codon 170 of the ERMARD protein (p.Met170Thr). This variant is not present in population databases (gnomAD no frequency). This variant has not been reported in the literature in individuals affected with ERMARD-related conditions. An algorithm developed to predict the effect of missense changes on protein structure and function (PolyPhen-2) suggests that this variant is likely to be disruptive. In summary, the available evidence is currently insufficient to determine the role of this variant in disease. Therefore, it has been classified as a Variant of Uncertain Significance.

NM_018341.3(ERMARD):c.509T>C (p.Met170Thr)

Gene: ERMARD (ER membrane associated RNA degradation; plus strand). Cytogenetic location: 6q27.
Variant type: single nucleotide variant.
Coding change: c.509T>C on transcript NM_018341.3 (MANE Select); coding-DNA position 509, T replaced by C.
Protein change: p.Met170Thr; replaces methionine 170 with threonine.
Molecular consequence: missense variant.
Genome position (GRCh38, 1-based): chr6:169,758,969, T>C. VCF-style: chr6-169758969-T-C. GRCh37 (hg19) VCF-style: chr6-170159065-T-C.
Other names: c.509T>C, p.Met170Thr (NM_001278531.2, NM_001278533.2); c.131T>C, p.Met44Thr (NM_001278532.2, NM_001410957.1); short protein forms M170T, M44T.
Identifiers: ClinVar variation 2785301 (VCV002785301.3), dbSNP rs1791176709, ClinGen allele CA366498125.